The following is an entry in ClinVar:

NM_000784.4(CYP27A1):c.624C>T (p.Leu208=)

Gene: CYP27A1 (cytochrome P450 family 27 subfamily A member 1; plus strand). Cytogenetic location: 2q35.
Variant type: single nucleotide variant.
Coding change: c.624C>T on transcript NM_000784.4 (MANE Select); coding-DNA position 624, C replaced by T.
Protein change: p.Leu208=; no amino-acid change (leucine 208 retained).
Molecular consequence: synonymous variant.
Genome position (GRCh38, 1-based): chr2:218,812,399, C>T. VCF-style: chr2-218812399-C-T. GRCh37 (hg19) VCF-style: chr2-219677122-C-T.
Other names: c.624C>T (NM_000784.3).
Identifiers: ClinVar variation 497881 (VCV000497881.24), dbSNP rs200060245, ClinGen allele CA65832846.

ClinVar aggregate classification (germline): Conflicting classifications of pathogenicity. Review status: criteria provided, conflicting classifications (1 of 4 stars). 7 submissions from 7 submitters: Uncertain significance (1); Likely benign (2). 4 of the submissions do not count toward it. Last evaluated 2025-11-24.

Conditions:
CYP27A1-related disorder. Also called: CYP27A1-related condition.
Cardiovascular phenotype. Identifiers: MedGen CN230736.
Cholestanol storage disease (CTX). Also called: CTX: Cerebrotendinous xanthomatosis; CEREBRAL CHOLESTERINOSIS; Cerebrotendinous Xanthomatosis. Identifiers: Orphanet 909, MedGen C0238052, MONDO:0008948, OMIM 213700.

Allele frequency attached by ClinVar (database versions not stated): gnomAD exomes 0.00001 and 0.00003; TOPMed 0.00002; gnomAD 0.00003.
gnomAD v4.1: 41 of 1,614,070 alleles (0.0025%); highest among the groups gnomAD compares: Non-Finnish European, 0.0034%; no homozygotes.

Submissions (7):

Labcorp Genetics (formerly Invitae), Labcorp
Classification: Likely benign for Cholestanol storage disease. Last evaluated: 2025-11-24. Review status: criteria provided, single submitter. Criteria: Invitae Variant Classification Sherloc (09022015). Collection method: clinical testing. Allele origin: germline.

Ambry Genetics
Classification: Likely benign for Cardiovascular phenotype. Last evaluated: 2019-05-23. Review status: criteria provided, single submitter. Criteria: Ambry Variant Classification Scheme 2023. Collection method: clinical testing. Allele origin: germline.

Eurofins Ntd Llc (ga)
Classification: Uncertain significance. Last evaluated: 2016-10-07. Review status: criteria provided, single submitter. Criteria: EGL Classification Definitions 2015. Collection method: clinical testing. Allele origin: germline. Observed: 1 variant allele, 1 heterozygote.

PreventionGenetics, part of Exact Sciences
Classification: Likely benign for CYP27A1-related condition. Last evaluated: 2022-02-08. Review status: no assertion criteria provided. Collection method: clinical testing. Allele origin: germline. Not counted in ClinVar's aggregate classification.
Comment: This variant is classified as likely benign based on ACMG/AMP sequence variant interpretation guidelines (Richards et al. 2015 PMID: 25741868, with internal and published modifications).

Natera, Inc.
Classification: Likely benign for Cerebrotendinous xanthomatosis. Last evaluated: 2021-06-22. Review status: no assertion criteria provided. Collection method: clinical testing. Allele origin: germline. Not counted in ClinVar's aggregate classification.

Clinical Genetics DNA and cytogenetics Diagnostics Lab, Erasmus MC, Erasmus Medical Center
Classification: Likely benign. Review status: no assertion criteria provided. Collection method: clinical testing. Allele origin: germline. Affected: yes. Study: VKGL Data-share Consensus. Not counted in ClinVar's aggregate classification.

Clinical Genetics, Academic Medical Center
Classification: Likely benign. Review status: no assertion criteria provided. Collection method: clinical testing. Allele origin: germline. Affected: yes. Study: VKGL Data-share Consensus. Not counted in ClinVar's aggregate classification.